The following is an entry in ClinVar:

NM_015512.5(DNAH1):c.7020C>T (p.Val2340=)

Gene: DNAH1 (dynein axonemal heavy chain 1; plus strand). Cytogenetic location: 3p21.1.
Variant type: single nucleotide variant.
Coding change: c.7020C>T on transcript NM_015512.5 (MANE Select); coding-DNA position 7020, C replaced by T.
Protein change: p.Val2340=; no amino-acid change (valine 2340 retained).
Molecular consequence: synonymous variant.
Genome position (GRCh38, 1-based): chr3:52,375,274, C>T. VCF-style: chr3-52375274-C-T. GRCh37 (hg19) VCF-style: chr3-52409290-C-T.
Identifiers: ClinVar variation 544663 (VCV000544663.11), dbSNP rs200691263, ClinGen allele CA2434726.

ClinVar aggregate classification (germline): Benign/Likely benign. Review status: criteria provided, multiple submitters, no conflicts (2 of 4 stars). 2 submissions from 2 submitters: Benign (1); Likely benign (1). Last evaluated 2026-09-16.

Conditions:
DNAH1-related disorder. Also called: DNAH1-related condition.
Spermatogenic failure 18. Identifiers: MedGen C4539783, MONDO:0054615, OMIM 617576.
Ciliary dyskinesia, primary, 37 (CILD37). Also called: CILIARY DYSKINESIA, PRIMARY, 37, WITH OR WITHOUT SITUS INVERSUS. Identifiers: MedGen C4539798, MONDO:0033204, OMIM 617577.

Allele frequency attached by ClinVar (database versions not stated): ExAC 0.00037; gnomAD 0.00062 and 0.00067; 1000 Genomes Project 0.00080; TOPMed 0.00080; 1000 Genomes Project 30x 0.00094; ESP Exome Variant Server 0.00106; gnomAD exomes 0.00005 and 0.00018.
gnomAD v4.1: 173 of 1,610,666 alleles (0.011%); highest among the groups gnomAD compares: African/African-American, 0.2%; no homozygotes.

Submissions (2):

PreventionGenetics, part of Exact Sciences
Classification: Likely benign for DNAH1-related condition. Last evaluated: 2026-09-16. Review status: criteria provided, single submitter. Criteria: ACMG Guidelines, 2015. Collection method: clinical testing. Allele origin: germline.
Comment: This variant is classified as likely benign based on ACMG/AMP sequence variant interpretation guidelines (Richards et al. 2015 PMID: 25741868, with internal and published modifications).

Labcorp Genetics (formerly Invitae), Labcorp
Classification: Benign for Ciliary dyskinesia, primary, 37; Spermatogenic failure 18. Last evaluated: 2025-07-29. Review status: criteria provided, single submitter. Criteria: Invitae Variant Classification Sherloc (09022015). Collection method: clinical testing. Allele origin: germline.